The following is an entry in ClinVar:

ClinVar aggregate classification (germline): Uncertain significance. Review status: criteria provided, multiple submitters, no conflicts (2 of 4 stars). 2 submissions from 2 submitters: Uncertain significance (2). Last evaluated 2025-07-29.

Conditions:
Inborn genetic diseases. Identifiers: MedGen C0950123, MeSH D030342.

gnomAD v4.1: 130 of 1,611,656 alleles (0.0081%); highest among the groups gnomAD compares: Middle Eastern, 0.017%; no homozygotes.

Submissions (2):

Labcorp Genetics (formerly Invitae), Labcorp
Classification: Uncertain significance. Last evaluated: 2025-07-29. Review status: criteria provided, single submitter. Criteria: Invitae Variant Classification Sherloc (09022015). Collection method: clinical testing. Allele origin: germline.
Comment: This sequence change replaces arginine, which is basic and polar, with glycine, which is neutral and non-polar, at codon 606 of the CLCN2 protein (p.Arg606Gly). This variant is present in population databases (rs752668311, gnomAD 0.003%). This variant has not been reported in the literature in individuals affected with CLCN2-related conditions. ClinVar contains an entry for this variant (Variation ID: 3267556). Invitae Evidence Modeling of protein sequence and biophysical properties (such as structural, functional, and spatial information, amino acid conservation, physicochemical variation, residue mobility, and thermodynamic stability) indicates that this missense variant is not expected to disrupt CLCN2 protein function with a negative predictive value of 80%. In summary, the available evidence is currently insufficient to determine the role of this variant in disease. Therefore, it has been classified as a Variant of Uncertain Significance.

Ambry Genetics
Classification: Uncertain significance for Inborn genetic diseases. Last evaluated: 2024-05-24. Review status: criteria provided, single submitter. Criteria: Ambry Variant Classification Scheme 2023. Collection method: clinical testing. Allele origin: germline.

NM_004366.6(CLCN2):c.1816A>G (p.Arg606Gly)

Gene: CLCN2 (chloride voltage-gated channel 2; minus strand). Cytogenetic location: 3q27.1.
Variant type: single nucleotide variant.
Coding change: c.1816A>G on transcript NM_004366.6 (MANE Select); coding-DNA position 1816, A replaced by G.
Protein change: p.Arg606Gly; replaces arginine 606 with glycine.
Molecular consequence: missense variant.
Genome position (GRCh38, 1-based): chr3:184,353,701, T>C on the plus strand (A>G on the coding strand, the complement: CLCN2 is on the minus strand). VCF-style: chr3-184353701-T-C. GRCh37 (hg19) VCF-style: chr3-184071489-T-C.
Other names: c.1765A>G, p.Arg589Gly (NM_001171087.3); c.1684A>G, p.Arg562Gly (NM_001171088.3); c.1816A>G, p.Arg606Gly (NM_001171089.3); short protein forms R562G, R589G, R606G.
Identifiers: ClinVar variation 3267556 (VCV003267556.2).